The following is an entry in ClinVar:

NM_001267550.2(TTN):c.10799C>A (p.Ser3600Ter)

Gene: TTN (titin; minus strand). Cytogenetic location: 2q31.2.
Variant type: single nucleotide variant.
Coding change: c.10799C>A on transcript NM_001267550.2 (MANE Select); coding-DNA position 10799, C replaced by A.
Protein change: p.Ser3600Ter; replaces serine 3600 with a stop codon.
Molecular consequence: nonsense. On other transcripts: intron variant (5).
Genome position (GRCh38, 1-based): chr2:178,756,677, G>T on the plus strand (C>A on the coding strand, the complement: TTN is on the minus strand). VCF-style: chr2-178756677-G-T. GRCh37 (hg19) VCF-style: chr2-179621404-G-T.
Other names: c.10799C>A (LRG_391t1); c.10286C>A, p.Ser3429Ter (NM_133437.4); c.10165+2307C>A (NM_003319.4); c.10540+865C>A (NM_133432.3); c.10303+2307C>A (NM_133378.4, NM_001256850.1, NM_133379.5); short protein forms S3600*, S3429*.
Identifiers: ClinVar variation 223253 (VCV000223253.10), dbSNP rs374300381, ClinGen allele CA089620.

ClinVar aggregate classification (germline): Uncertain significance. Review status: criteria provided, multiple submitters, no conflicts (2 of 4 stars). 3 submissions from 3 submitters: Uncertain significance (3). Last evaluated 2023-03-01.

Conditions:
Autosomal recessive limb-girdle muscular dystrophy type 2J (LGMDR10). Also called: MUSCULAR DYSTROPHY, LIMB-GIRDLE, AUTOSOMAL RECESSIVE 10; Limb-girdle muscular dystrophy, type 2J. Identifiers: Orphanet 140922, MedGen C1837342, MONDO:0012127, OMIM 608807.
Dilated cardiomyopathy 1G (CMD1G). Identifiers: Orphanet 154, MedGen C1858763, MONDO:0011400, OMIM 604145.
Tibial muscular dystrophy (TMD). Also called: Udd Distal Myopathy – Tibial Muscular Dystrophy; UDD MYOPATHY; Tibial muscular dystrophy, tardive. Identifiers: Orphanet 609, MedGen C1838244, MONDO:0010870, OMIM 600334.
Early-onset myopathy with fatal cardiomyopathy (CMYO5). Also called: CONGENITAL MYOPATHY 5 WITH CARDIOMYOPATHY; Salih Myopathy. Identifiers: Orphanet 289377, MedGen C2673677, MONDO:0012714, OMIM 611705. Disease mechanism: loss of function.
Myopathy, myofibrillar, 9, with early respiratory failure (MFM9). Also called: EDSTROM MYOPATHY; MYOPATHY, PROXIMAL, WITH EARLY RESPIRATORY MUSCLE INVOLVEMENT; Hereditary myopathy with early respiratory failure; Myopathy, distal, with early respiratory failure, autosomal dominant. Identifiers: Orphanet 178464, Orphanet 34521, MedGen C1863599, MONDO:0011362, OMIM 603689.
Hypertrophic cardiomyopathy 9. Also called: Familial hypertrophic cardiomyopathy 9. Identifiers: MedGen C1861065, MONDO:0013412, OMIM 613765.
Primary dilated cardiomyopathy (DCM). Also called: Dilated Cardiomyopathy. Identifiers: Orphanet 217604, MedGen C0007193, MeSH D002311, MONDO:0005021, HP:0001644. Inheritance: Various modes of inheritance.

Allele frequency attached by ClinVar (database versions not stated): gnomAD 0.00001; gnomAD exomes 0.00001; ExAC 0.00002; TOPMed 0.00002; ESP Exome Variant Server 0.00008.
gnomAD v4.1: 22 of 1,613,664 alleles (0.0014%); highest among the groups gnomAD compares: East Asian, 0.0089%; no homozygotes.

Submissions (3):

Labcorp Genetics (formerly Invitae), Labcorp
Classification: Uncertain significance for Dilated cardiomyopathy 1G; Autosomal recessive limb-girdle muscular dystrophy type 2J. Last evaluated: 2023-03-01. Review status: criteria provided, single submitter. Criteria: Invitae Variant Classification Sherloc (09022015). Collection method: clinical testing. Allele origin: germline.
Comment: This sequence change creates a premature translational stop signal (p.Ser3600*) in the TTN gene. While this is not anticipated to result in nonsense mediated decay, it is expected to create a truncated TTN protein. This variant is present in population databases (rs374300381, gnomAD 0.0009%). This variant has not been reported in the literature in individuals affected with TTN-related conditions. ClinVar contains an entry for this variant (Variation ID: 223253). This variant is located in the I band of TTN (PMID: 25589632). Truncating variants in this region have been shown to be highly prevalent in the general population and unaffected individuals (PMID: 26701604, 22335739). However, truncating variants in this region have also been reported in individuals affected with autosomal recessive centronuclear myopathy (PMID: 23975875). In summary, the available evidence is currently insufficient to determine the role of this variant in disease. Therefore, it has been classified as a Variant of Uncertain Significance.

Fulgent Genetics
Classification: Uncertain significance for Tibial muscular dystrophy; Myopathy, myofibrillar, 9, with early respiratory failure; Dilated cardiomyopathy 1G; Autosomal recessive limb-girdle muscular dystrophy type 2J; Early-onset myopathy with fatal cardiomyopathy; Hypertrophic cardiomyopathy 9. Last evaluated: 2021-10-20. Review status: criteria provided, single submitter. Criteria: ACMG Guidelines, 2015. Collection method: clinical testing. Allele origin: unknown.

Cardiovascular Biomedical Research Unit, Royal Brompton & Harefield NHS Foundation Trust
Classification: Uncertain significance for Primary dilated cardiomyopathy. Last evaluated: 2014-10-08. Review status: criteria provided, single submitter. Criteria: Roberts et al. 2015. Collection method: research. Allele origin: germline. Inheritance: Autosomal dominant inheritance. Affected: no. Observed: 1 variant allele. Study: FHS cohort.
Comment: This TTN truncating variant (TTNtv) was identified in one individual in this cohort and is located in an exon with low levels of cardiac expression. In the seven cohorts assessed, TTNtv were found in 14% of ambulant DCM, 22% end-stage or familial DCM, and 2% controls. Heterozygous nonsense, frameshift and canonical splice-disrupting variants found in constitutive and other highly utilised exons are highly likely to be pathogenic when identified in individuals with phenotypically confirmed DCM. TTNtv found incidentally in healthy individuals (excluding familial assessment of DCM relatives) are thought to have low penetrance, particularly when identified in exons that are not constitutively expressed in the heart.

Literature cited by the submitters: PubMed 25589632 (cited by Labcorp Genetics (formerly Invitae), Labcorp); PubMed 26701604 (cited by Labcorp Genetics (formerly Invitae), Labcorp); PubMed 22335739 (cited by Labcorp Genetics (formerly Invitae), Labcorp); PubMed 23975875 (cited by Labcorp Genetics (formerly Invitae), Labcorp).